The following is an entry in ClinVar:

ClinVar aggregate classification (germline): Uncertain significance. Review status: criteria provided, single submitter (1 of 4 stars). 2 submissions from 2 submitters: Uncertain significance (1). 1 of the submissions does not count toward it. Last evaluated 2025-04-16.

Allele frequency attached by ClinVar (database versions not stated): gnomAD exomes below 0.00001.

Submissions (2):

Women's Health and Genetics/Laboratory Corporation of America, LabCorp
Classification: Uncertain significance. Last evaluated: 2025-04-16. Review status: criteria provided, single submitter. Criteria: LabCorp Variant Classification Summary - May 2015. Collection method: clinical testing. Allele origin: germline.
Comment: Variant summary: GUCY2D c.2237A>G (p.Tyr746Cys) results in a non-conservative amino acid change in the encoded protein sequence. Five of five in-silico tools predict a damaging effect of the variant on protein function. The variant allele was found at a frequency of 4e-06 in 251236 control chromosomes. c.2237A>G has been observed in homozygous individual(s) affected with Leber Congenital Amaurosis (Lotery_2000). These data indicate that the variant may be associated with disease. To our knowledge, no experimental evidence demonstrating an impact on protein function has been reported. The following publication has been ascertained in the context of this evaluation (PMID: 10766140). ClinVar contains an entry for this variant (Variation ID: 98560). Based on the evidence outlined above, the variant was classified as VUS-possibly pathogenic.

Retina International
No classification provided. Review status: no classification provided. Collection method: not provided. Allele origin: not provided. Not counted in ClinVar's aggregate classification.

Literature cited by the submitters: PubMed 10766140 (cited by Women's Health and Genetics/Laboratory Corporation of America, LabCorp).

NM_000180.4(GUCY2D):c.2237A>G (p.Tyr746Cys)

Gene: GUCY2D (guanylate cyclase 2D, retinal; plus strand). Cytogenetic location: 17p13.1.
Variant type: single nucleotide variant.
Coding change: c.2237A>G on transcript NM_000180.4 (MANE Select); coding-DNA position 2237, A replaced by G.
Protein change: p.Tyr746Cys; replaces tyrosine 746 with cysteine.
Molecular consequence: missense variant.
Genome position (GRCh38, 1-based): chr17:8,013,226, A>G. VCF-style: chr17-8013226-A-G. GRCh37 (hg19) VCF-style: chr17-7916544-A-G.
Other names: short protein forms Y746C.
Identifiers: ClinVar variation 98560 (VCV000098560.3), dbSNP rs61750166, ClinGen allele CA226070.